The following is an entry in ClinVar:

ClinVar aggregate classification (germline): Uncertain significance. Review status: criteria provided, multiple submitters, no conflicts (2 of 4 stars). 3 submissions from 3 submitters: Uncertain significance (3). Last evaluated 2023-05-16.

Conditions:
Familial cancer of breast. Also called: hereditary breast carcinoma; BREAST CANCER, FAMILIAL; Hereditary breast cancer. Identifiers: Orphanet 227535, MedGen C0346153, MONDO:0016419, OMIM 114480. Disease mechanism: loss of function.
Hereditary cancer-predisposing syndrome. Also called: Tumor predisposition; Neoplastic Syndromes, Hereditary; Hereditary Cancer Syndrome; Hereditary neoplastic syndrome. Identifiers: Orphanet 140162, MedGen C0027672, MeSH D009386, MONDO:0015356.

Submissions (3):

Baylor Genetics
Classification: Uncertain significance for Familial cancer of breast. Last evaluated: 2023-05-16. Review status: criteria provided, single submitter. Criteria: ACMG Guidelines, 2015. Collection method: clinical testing. Allele origin: unknown.

Ambry Genetics
Classification: Uncertain significance for Hereditary cancer-predisposing syndrome. Last evaluated: 2020-07-06. Review status: criteria provided, single submitter. Criteria: Ambry Variant Classification Scheme 2023. Collection method: clinical testing. Allele origin: germline.
Comment: The p.L2736V variant (also known as c.8206C>G), located in coding exon 17 of the BRCA2 gene, results from a C to G substitution at nucleotide position 8206. The leucine at codon 2736 is replaced by valine, an amino acid with highly similar properties. This amino acid position is highly conserved in available vertebrate species. In addition, this alteration is predicted to be deleterious by in silico analysis. Since supporting evidence is limited at this time, the clinical significance of this alteration remains unclear.

Quest Diagnostics Nichols Institute San Juan Capistrano
Classification: Uncertain significance. Last evaluated: 2019-05-17. Review status: criteria provided, single submitter. Criteria: Quest Diagnostics criteria. Collection method: clinical testing. Allele origin: germline.

NM_000059.4(BRCA2):c.8206C>G (p.Leu2736Val)

Gene: BRCA2 (BRCA2 DNA repair associated; plus strand). Cytogenetic location: 13q13.1.
Variant type: single nucleotide variant.
Coding change: c.8206C>G on transcript NM_000059.4 (MANE Select); coding-DNA position 8206, C replaced by G.
Protein change: p.Leu2736Val; replaces leucine 2736 with valine.
Molecular consequence: missense variant.
Genome position (GRCh38, 1-based): chr13:32,363,408, C>G. VCF-style: chr13-32363408-C-G. GRCh37 (hg19) VCF-style: chr13-32937545-C-G.
Other names: short protein forms L2736V.
Identifiers: ClinVar variation 801123 (VCV000801123.5), dbSNP rs1555287042, ClinGen allele CA387749755.
Genomic context (GRCh38, chr13:32,363,408, plus strand): 5'-GTGGCCATTATTGAACTTACAGATGGGTGGTATGCTGTTAAGGCCCAGTTAGATCCTCCC[C>G]TCTTAGCTGTCTTAAAGAATGGCAGACTGACAGTTGGTCAGAAGATTATTCTTCATGGAG-3'
Protein context (NP_000050.3, residues 2726-2746): YAVKAQLDPP[Leu2736Val]LAVLKNGRLT